The following is an entry in ClinVar:

ClinVar aggregate classification (germline): Uncertain significance. Review status: criteria provided, multiple submitters, no conflicts (2 of 4 stars). 2 submissions from 2 submitters: Uncertain significance (2). Last evaluated 2024-12-04.

Conditions:
Hereditary cancer-predisposing syndrome. Also called: Hereditary Cancer Syndrome; Hereditary neoplastic syndrome; Neoplastic Syndromes, Hereditary; Tumor predisposition. Identifiers: Orphanet 140162, MedGen C0027672, MeSH D009386, MONDO:0015356.
Hereditary diffuse gastric adenocarcinoma (HDGC). Also called: DIFFUSE GASTRIC AND LOBULAR BREAST CANCER SYNDROME. Identifiers: Orphanet 26106, MedGen C1708349, MONDO:0007648, OMIM 137215.

Allele frequency attached by ClinVar (database versions not stated): gnomAD 0.00001.
gnomAD v4.1: 1 of 1,614,028 alleles (0.000062%); highest among the groups gnomAD compares: Non-Finnish European, 0.000085%; no homozygotes.

Submissions (2):

Labcorp Genetics (formerly Invitae), Labcorp
Classification: Uncertain significance for Hereditary diffuse gastric adenocarcinoma. Last evaluated: 2024-12-04. Review status: criteria provided, single submitter. Criteria: Invitae Variant Classification Sherloc (09022015). Collection method: clinical testing. Allele origin: germline.
Comment: This sequence change replaces proline, which is neutral and non-polar, with arginine, which is basic and polar, at codon 597 of the CDH1 protein (p.Pro597Arg). This variant is not present in population databases (gnomAD no frequency). This variant has not been reported in the literature in individuals affected with CDH1-related conditions. ClinVar contains an entry for this variant (Variation ID: 921969). An algorithm developed to predict the effect of missense changes on protein structure and function (PolyPhen-2) suggests that this variant is likely to be disruptive. In summary, the available evidence is currently insufficient to determine the role of this variant in disease. Therefore, it has been classified as a Variant of Uncertain Significance.

Color Diagnostics, LLC DBA Color Health
Classification: Uncertain significance for Hereditary cancer-predisposing syndrome. Last evaluated: 2019-10-01. Review status: criteria provided, single submitter. Criteria: ACMG Guidelines, 2015. Collection method: clinical testing. Allele origin: germline.
Comment: This missense variant replaces proline with arginine at codon 597 of the CDH1 protein. Computational prediction suggests that this variant may not impact protein structure and function (internally defined REVEL score threshold <= 0.5, PMID: 27666373). Splice site prediction tools suggest that this variant may not impact RNA splicing. To our knowledge, functional studies have not been performed for this variant. This variant has not been reported in individuals affected with hereditary cancer in the literature. This variant has not been identified in the general population by the Genome Aggregation Database (gnomAD). The available evidence is insufficient to determine the role of this variant in disease conclusively. Therefore, this variant is classified as a Variant of Uncertain Significance.

NM_004360.5(CDH1):c.1790C>G (p.Pro597Arg)

Gene: CDH1 (cadherin 1; plus strand). Cytogenetic location: 16q22.1.
Variant type: single nucleotide variant.
Coding change: c.1790C>G on transcript NM_004360.5 (MANE Select); coding-DNA position 1790, C replaced by G.
Protein change: p.Pro597Arg; replaces proline 597 with arginine.
Molecular consequence: missense variant. On other transcripts: 5 prime UTR variant (1).
Genome position (GRCh38, 1-based): chr16:68,822,079, C>G. VCF-style: chr16-68822079-C-G. GRCh37 (hg19) VCF-style: chr16-68855982-C-G.
Other names: c.1607C>G, p.Pro536Arg (NM_001317184.2); c.242C>G, p.Pro81Arg (NM_001317185.2); c.-176C>G (NM_001317186.2); short protein forms P536R, P81R, P597R.
Identifiers: ClinVar variation 921969 (VCV000921969.13), dbSNP rs1961161092, ClinGen allele CA396466666.